The following is an entry in ClinVar:

NM_197968.4(ZMYM2):c.3264TGA[1] (p.Asp1089del)

Gene: ZMYM2 (zinc finger MYM-type containing 2; plus strand). Cytogenetic location: 13q12.11.
Variant type: Microsatellite.
Coding change: c.3264TGA[1] on transcript NM_197968.4 (MANE Select); one copy of the 3-base unit TGA starting at c.3264; the reference has two copies in a row; one copy, 3 bases deleted.
Protein change: p.Asp1089del; deletes aspartic acid 1089.
Molecular consequence: inframe deletion. On other transcripts: non-coding transcript variant (1).
Genome position (GRCh38, 1-based): chr13:20,066,985-20,066,987, TGA deleted; deleting any 3 consecutive bases within chr13:20,066,982-20,066,987 gives the same sequence; the position shown is the placement nearest the transcript's 3' end. VCF-style (leftmost placement, unchanged base first): chr13-20066981-TTGA-T. GRCh37 (hg19) VCF-style: chr13-20641121-TTGA-T.
Other names: c.3264TGA[1], p.Asp1089del (NM_001190964.4, NM_001190965.4, NM_001353157.2 and 5 more transcripts); c.3069TGA[1], p.Asp1024del (NM_001353161.3); c.3003TGA[1], p.Asp1002del (NM_001353163.2); short protein forms D1024del, D1089del, D1002del.
Identifiers: ClinVar variation 4979207 (VCV004979207.1).

ClinVar aggregate classification (germline): Uncertain significance (1 of 4 stars; one submission).

Conditions:
ZMYM2-related disorder. Also called: ZMYM2-related condition.

Submission:

PreventionGenetics, part of Exact Sciences
Classification: Uncertain significance for ZMYM2-related condition. Last evaluated: 2026-02-20. Review status: criteria provided, single submitter. Criteria: ACMG Guidelines, 2015. Collection method: clinical testing. Allele origin: germline.
Comment: The ZMYM2 c.3267_3269delTGA variant is predicted to result in an in-frame deletion (p.Asp1089del). To our knowledge, this variant has not been reported in the literature. This variant has been reported in 1 out of ~247,000 alleles in gnomAD. At this time, the clinical significance of this variant is uncertain due to the absence of conclusive functional and genetic evidence.